The following is an entry in ClinVar:

ClinVar aggregate classification (germline): Uncertain significance (1 of 4 stars; one submission).

Conditions:
Short-rib thoracic dysplasia 14 with polydactyly (SRTD14). Identifiers: Orphanet 397715, MedGen C4225286, MONDO:0014688, OMIM 616546.
Joubert syndrome 23 (JBTS23). Identifiers: Orphanet 475, MedGen C4084822, MONDO:0014664, OMIM 616490.

Allele frequency attached by ClinVar (database versions not stated): gnomAD exomes below 0.00001; TOPMed 0.00001.
gnomAD v4.1: 2 of 1,613,886 alleles (0.00012%); highest among the groups gnomAD compares: Middle Eastern, 0.016%; no homozygotes.

Submission:

Labcorp Genetics (formerly Invitae), Labcorp
Classification: Uncertain significance for Joubert syndrome 23; Short-rib thoracic dysplasia 14 with polydactyly. Last evaluated: 2023-07-10. Review status: criteria provided, single submitter. Criteria: Invitae Variant Classification Sherloc (09022015). Collection method: clinical testing. Allele origin: germline.
Comment: In summary, the available evidence is currently insufficient to determine the role of this variant in disease. Therefore, it has been classified as a Variant of Uncertain Significance. Advanced modeling of protein sequence and biophysical properties (such as structural, functional, and spatial information, amino acid conservation, physicochemical variation, residue mobility, and thermodynamic stability) performed at Invitae indicates that this missense variant is not expected to disrupt KIAA0586 protein function. ClinVar contains an entry for this variant (Variation ID: 2166126). This variant has not been reported in the literature in individuals affected with KIAA0586-related conditions. This variant is not present in population databases (gnomAD no frequency). This sequence change replaces proline, which is neutral and non-polar, with serine, which is neutral and polar, at codon 1250 of the KIAA0586 protein (p.Pro1250Ser).

NM_001329943.3(KIAA0586):c.3589C>T (p.Pro1197Ser)

Gene: KIAA0586 (KIAA0586; plus strand). Cytogenetic location: 14q23.1.
Variant type: single nucleotide variant.
Coding change: c.3589C>T on transcript NM_001329943.3 (MANE Select); coding-DNA position 3589, C replaced by T.
Protein change: p.Pro1197Ser; replaces proline 1197 with serine.
Molecular consequence: missense variant.
Genome position (GRCh38, 1-based): chr14:58,488,682, C>T. VCF-style: chr14-58488682-C-T. GRCh37 (hg19) VCF-style: chr14-58955400-C-T.
Other names: c.3748C>T, p.Pro1250Ser (NM_001244189.2); c.3544C>T, p.Pro1182Ser (NM_001244190.2); c.3334C>T, p.Pro1112Ser (NM_001244191.2, NM_001329945.2, NM_001364700.1 and 1 more transcripts); c.3457C>T, p.Pro1153Ser (NM_001244192.2); c.3169C>T, p.Pro1057Ser (NM_001244193.2); c.3589C>T, p.Pro1197Ser (NM_001329944.2, NM_001329946.2, NM_001329947.2); c.3361C>T, p.Pro1121Ser (NM_014749.5); short protein forms P1112S, P1153S, P1121S, P1182S, P1197S, P1250S, P1057S.
Identifiers: ClinVar variation 2166126 (VCV002166126.4), dbSNP rs1439146870, ClinGen allele CA389882565.